The following is an entry in ClinVar:

ClinVar aggregate classification (germline): Uncertain significance. Review status: criteria provided, multiple submitters, no conflicts (2 of 4 stars). 3 submissions from 3 submitters: Uncertain significance (2). 1 of the submissions does not count toward it. Last evaluated 2025-11-03.

Conditions:
ACD-related disorder. Also called: ACD-related condition.
Inborn genetic diseases. Identifiers: MedGen C0950123, MeSH D030342.
Dyskeratosis congenita, autosomal dominant 6 (DKCA6). Identifiers: Orphanet 3322, MedGen C4225284, MONDO:0014690, OMIM 616553.

Allele frequency attached by ClinVar (database versions not stated): ESP Exome Variant Server 0.00008; ExAC 0.00002.

Submissions (3):

Labcorp Genetics (formerly Invitae), Labcorp
Classification: Uncertain significance for Dyskeratosis congenita, autosomal dominant 6. Last evaluated: 2025-11-03. Review status: criteria provided, single submitter. Criteria: Invitae Variant Classification Sherloc (09022015). Collection method: clinical testing. Allele origin: germline.
Comment: This sequence change replaces alanine, which is neutral and non-polar, with glutamic acid, which is acidic and polar, at codon 40 of the ACD protein (p.Ala40Glu). This variant is present in population databases (rs374417270, gnomAD 0.03%). This variant has not been reported in the literature in individuals affected with ACD-related conditions. ClinVar contains an entry for this variant (Variation ID: 1746809). An algorithm developed to predict the effect of missense changes on protein structure and function (PolyPhen-2) suggests that this variant is likely to be disruptive. Algorithms developed to predict the effect of sequence changes on RNA splicing suggest that this variant may create or strengthen a splice site. In summary, the available evidence is currently insufficient to determine the role of this variant in disease. Therefore, it has been classified as a Variant of Uncertain Significance.

Ambry Genetics
Classification: Uncertain significance for Inborn genetic diseases. Last evaluated: 2025-02-01. Review status: criteria provided, single submitter. Criteria: Ambry Variant Classification Scheme 2023. Collection method: clinical testing. Allele origin: germline.

PreventionGenetics, part of Exact Sciences
Classification: Uncertain significance for ACD-related condition. Last evaluated: 2023-10-18. Review status: no assertion criteria provided. Collection method: clinical testing. Allele origin: germline. Not counted in ClinVar's aggregate classification.
Comment: The ACD c.119C>A variant is predicted to result in the amino acid substitution p.Ala40Glu. To our knowledge, this variant has not been reported in the literature. This variant is reported in 0.026% of alleles in individuals of African descent in gnomAD. At this time, the clinical significance of this variant is uncertain due to the absence of conclusive functional and genetic evidence.

NC_000016.10:g.67660360G>T

Genes: ACD (ACD shelterin complex subunit and telomerase recruitment factor; minus strand), LOC130059224 (ATAC-STARR-seq lymphoblastoid silent region 7617; plus strand). Cytogenetic location: 16q22.1.
Variant type: single nucleotide variant.
Genome position: GRCh38 VCF-style: chr16-67660360-G-T. GRCh37 (hg19) VCF-style: chr16-67694263-G-T.
Other names: short protein forms A40E.
Identifiers: ClinVar variation 1746809 (VCV001746809.9), dbSNP rs374417270, ClinGen allele CA8114904.